The following is an entry in ClinVar:

ClinVar aggregate classification (germline): Uncertain significance. Review status: criteria provided, multiple submitters, no conflicts (2 of 4 stars). 2 submissions from 2 submitters: Uncertain significance (2). Last evaluated 2022-10-13.

Conditions:
Cohen syndrome (COH1). Also called: PEPPER SYNDROME; Cutis verticis gyrata, retinitis pigmentosa, and sensorineural deafness. Identifiers: Orphanet 193, MedGen C0265223, MONDO:0008999, OMIM 216550.
Inborn genetic diseases. Identifiers: MedGen C0950123, MeSH D030342.

Submissions (2):

Labcorp Genetics (formerly Invitae), Labcorp
Classification: Uncertain significance for Cohen syndrome. Last evaluated: 2022-10-13. Review status: criteria provided, single submitter. Criteria: Invitae Variant Classification Sherloc (09022015). Collection method: clinical testing. Allele origin: germline.
Comment: This sequence change replaces lysine, which is basic and polar, with glutamic acid, which is acidic and polar, at codon 2952 of the VPS13B protein (p.Lys2952Glu). This variant is not present in population databases (gnomAD no frequency). This variant has not been reported in the literature in individuals affected with VPS13B-related conditions. Advanced modeling of protein sequence and biophysical properties (such as structural, functional, and spatial information, amino acid conservation, physicochemical variation, residue mobility, and thermodynamic stability) has been performed at Invitae for this missense variant, however the output from this modeling did not meet the statistical confidence thresholds required to predict the impact of this variant on VPS13B protein function. In summary, the available evidence is currently insufficient to determine the role of this variant in disease. Therefore, it has been classified as a Variant of Uncertain Significance.

Ambry Genetics
Classification: Uncertain significance for Inborn genetic diseases. Last evaluated: 2022-01-07. Review status: criteria provided, single submitter. Criteria: Ambry Variant Classification Scheme 2023. Collection method: clinical testing. Allele origin: germline.

NM_152564.5(VPS13B):c.8779A>G (p.Lys2927Glu)

Gene: VPS13B (vacuolar protein sorting 13 homolog B; plus strand). Cytogenetic location: 8q22.2.
Variant type: single nucleotide variant.
Coding change: c.8779A>G on transcript NM_152564.5 (MANE Select); coding-DNA position 8779, A replaced by G.
Protein change: p.Lys2927Glu; replaces lysine 2927 with glutamic acid.
Molecular consequence: missense variant.
Genome position (GRCh38, 1-based): chr8:99,819,569, A>G. VCF-style: chr8-99819569-A-G. GRCh37 (hg19) VCF-style: chr8-100831797-A-G.
Other names: c.8854A>G (NM_017890.3); c.8854A>G, p.Lys2952Glu (NM_017890.5); short protein forms K2927E, K2952E.
Identifiers: ClinVar variation 2145834 (VCV002145834.2), dbSNP rs2492014247, ClinGen allele CA371776685.